The following is an entry in ClinVar:

NM_003823.4(TNFRSF6B):c.598C>T (p.Pro200Ser)

Genes: RTEL1-TNFRSF6B (RTEL1-TNFRSF6B readthrough (NMD candidate); plus strand), TNFRSF6B (TNF receptor superfamily member 6b; plus strand). Cytogenetic location: 20q13.33.
Variant type: single nucleotide variant.
Coding change: c.598C>T on transcript NM_003823.4 (MANE Select); coding-DNA position 598, C replaced by T.
Protein change: p.Pro200Ser; replaces proline 200 with serine.
Molecular consequence: missense variant. On other transcripts: non-coding transcript variant (1).
Genome position (GRCh38, 1-based): chr20:63,697,501, C>T. VCF-style: chr20-63697501-C-T. GRCh37 (hg19) VCF-style: chr20-62328854-C-T.
Other names: c.598C>T (NM_003823.3); short protein forms P200S.
Identifiers: ClinVar variation 1896800 (VCV001896800.6), dbSNP rs766411101, ClinGen allele CA9966511.
Genomic context (GRCh38, chr20:63,697,501, plus strand): 5'-GCCCTCAATGTGCCAGGCTCTTCCTCCCATGACACCCTGTGCACCAGCTGCACTGGCTTC[C>T]CCCTCAGCACCAGGGTACCAGGTGAGCCAGAGGCCTGAGGGGGCAGCACACTGCAGGCCA-3'
Protein context (NP_003814.1, residues 190-210): DTLCTSCTGF[Pro200Ser]LSTRVPGAEE

ClinVar aggregate classification (germline): Uncertain significance. Review status: criteria provided, multiple submitters, no conflicts (2 of 4 stars). 2 submissions from 2 submitters: Uncertain significance (2). Last evaluated 2025-10-29.

Allele frequency attached by ClinVar (database versions not stated): TOPMed 0.00006; gnomAD exomes 0.00007; gnomAD 0.00008; ExAC 0.00019.

Submissions (2):

Labcorp Genetics (formerly Invitae), Labcorp
Classification: Uncertain significance. Last evaluated: 2025-10-29. Review status: criteria provided, single submitter. Criteria: Invitae Variant Classification Sherloc (09022015). Collection method: clinical testing. Allele origin: germline.
Comment: This sequence change replaces proline, which is neutral and non-polar, with serine, which is neutral and polar, at codon 200 of the TNFRSF6B protein (p.Pro200Ser). This variant is present in population databases (rs766411101, gnomAD 0.06%), and has an allele count higher than expected for a pathogenic variant. This variant has not been reported in the literature in individuals affected with TNFRSF6B-related conditions. ClinVar contains an entry for this variant (Variation ID: 1896800). An algorithm developed to predict the effect of missense changes on protein structure and function outputs the following: PolyPhen-2: "Benign". The serine amino acid residue is found in multiple mammalian species, which suggests that this missense change does not adversely affect protein function. In summary, the available evidence is currently insufficient to determine the role of this variant in disease. Therefore, it has been classified as a Variant of Uncertain Significance.

Ambry Genetics
Classification: Uncertain significance. Last evaluated: 2025-03-17. Review status: criteria provided, single submitter. Criteria: Ambry Variant Classification Scheme 2023. Collection method: clinical testing. Allele origin: germline.